The following is an entry in ClinVar:

ClinVar aggregate classification (germline): Likely benign (1 of 4 stars; one submission).

Submission:

CeGaT Center for Human Genetics Tuebingen
Classification: Likely benign. Last evaluated: 2026-03-01. Review status: criteria provided, single submitter. Criteria: CeGaT Center For Human Genetics Tuebingen Variant Classification Criteria Version 2. Collection method: clinical testing. Allele origin: germline. Affected: yes. Observed: 1 variant allele.
Comment: FMN2: PM2:Supporting, BP4, BP7

NM_020066.5(FMN2):c.3570A>T (p.Leu1190=)

Gene: FMN2 (formin 2; plus strand). Cytogenetic location: 1q43.
Variant type: single nucleotide variant.
Coding change: c.3570A>T on transcript NM_020066.5 (MANE Select); coding-DNA position 3570, A replaced by T.
Protein change: p.Leu1190=; no amino-acid change (leucine 1190 retained).
Molecular consequence: synonymous variant. On other transcripts: intron variant (1).
Genome position (GRCh38, 1-based): chr1:240,208,382, A>T. VCF-style: chr1-240208382-A-T. GRCh37 (hg19) VCF-style: chr1-240371682-A-T.
Other names: c.3582A>T, p.Leu1194= (NM_001305424.2); c.1986+20120A>T (NM_001348094.2).
Identifiers: ClinVar variation 4823716 (VCV004823716.4).